The following is an entry in ClinVar:

NM_003640.5(ELP1):c.2268T>G (p.Tyr756Ter)

Gene: ELP1 (elongator acetyltransferase complex subunit 1; minus strand). Cytogenetic location: 9q31.3.
Variant type: single nucleotide variant.
Coding change: c.2268T>G on transcript NM_003640.5 (MANE Select); coding-DNA position 2268, T replaced by G.
Protein change: p.Tyr756Ter; replaces tyrosine 756 with a stop codon.
Molecular consequence: nonsense.
Genome position (GRCh38, 1-based): chr9:108,898,686, A>C on the plus strand (T>G on the coding strand, the complement: ELP1 is on the minus strand). VCF-style: chr9-108898686-A-C. GRCh37 (hg19) VCF-style: chr9-111660966-A-C.
Other names: c.1926T>G, p.Tyr642Ter (NM_001318360.2); c.1221T>G, p.Tyr407Ter (NM_001330749.2); short protein forms Y407*, Y642*, Y756*.
Identifiers: ClinVar variation 4815191 (VCV004815191.1).

ClinVar aggregate classification (germline): Likely pathogenic (1 of 4 stars; one submission).

Conditions:
Familial dysautonomia. Also called: HSAN III; FD. Identifiers: Orphanet 1764, MedGen C0013364, MONDO:0009131, OMIM 223900. Disease mechanism: loss of function.

Submission:

Natera, Inc.
Classification: Likely pathogenic for Familial dysautonomia. Last evaluated: 2025-11-06. Review status: criteria provided, single submitter. Criteria: Natera Variant Classification Schema (03/2026). Collection method: clinical testing. Allele origin: germline.
Comment: The c.2268T>G variant in ELP1 is a nonsense variant predicted to introduce a stop codon at amino acid 756. This variant is expected to result in nonsense mediated decay, truncation, or a dysfunctional protein product. This variant is rare in the general population with a frequency below the threshold expected for the associated phenotype(s). Given the available evidence, this variant is classified as Likely Pathogenic.